The following is an entry in ClinVar:

ClinVar aggregate classification (germline): Pathogenic (1 of 4 stars; one submission).

Conditions:
Neuromuscular disease caused by qualitative or quantitative defects of dystrophin. Also called: Qualitative or quantitative defects of dystrophin. Identifiers: Orphanet 207085, MedGen C5679787, MONDO:0016147.

Submission:

Women's Health and Genetics/Laboratory Corporation of America, LabCorp
Classification: Pathogenic for Neuromuscular disease caused by qualitative or quantitative defects of dystrophin. Last evaluated: 2023-11-21. Review status: criteria provided, single submitter. Criteria: LabCorp Variant Classification Summary - May 2015. Collection method: clinical testing. Allele origin: germline.
Comment: Variant summary: The variant involves the duplication of exon 62 in the DMD gene. A presumed nomenclature of c.(9163+1_9164-1)_(9224+1_9225-1)dup has been designated for the purposes of this classification. This Copy Number Variant (CNV) is expected to alter the reading frame and predicted to result in a truncation (p.His3076Valfs*42 in DOVE database) or absence of the encoded protein due to nonsense mediated decay (NMD). The variant was absent in 16120 control chromosomes (gnomAD, Structural Variants dataset). c.(9163+1_9164-1)_(9224+1_9225-1)dup has been reported in the literature in individuals affected with Dystrophinopathies (Cunniff_2009, Aartsma-Rus_2009, Mah_2011, Zhao_2018, Zinina_2022). These data indicate that the variant is likely to be associated with disease. To our knowledge, no experimental evidence demonstrating an impact on protein function has been reported. The following publications have been ascertained in the context of this evaluation (PMID: 19074751, 19156838, 21515508, 29578119, 36361501). One submitter has cited clinical-significance assessments for this variant to ClinVar after 2014 and has classified the variant as pathogenic. Based on the evidence outlined above, the variant was classified as pathogenic.

Literature cited by the submitters: PubMed 21515508; PubMed 19074751; PubMed 36361501; PubMed 19156838; PubMed 29578119.

NC_000023.10:g.(31279134_31341714)_(31341776_31366672)dup

Gene: DMD (dystrophin; minus strand). Cytogenetic location: Xp21.2.
Variant type: Duplication.
Identifiers: ClinVar variation 2682221 (VCV002682221.1).